The following is an entry in ClinVar:

ClinVar aggregate classification (germline): Uncertain significance (1 of 4 stars; one submission).

Submission:

Labcorp Genetics (formerly Invitae), Labcorp
Classification: Uncertain significance. Last evaluated: 2024-10-15. Review status: criteria provided, single submitter. Criteria: Invitae Variant Classification Sherloc (09022015). Collection method: clinical testing. Allele origin: germline.
Comment: This variant, c.2259_2261del, results in the deletion of 1 amino acid(s) of the ACO2 protein (p.Leu754del), but otherwise preserves the integrity of the reading frame. This variant is not present in population databases (gnomAD no frequency). This variant has not been reported in the literature in individuals affected with ACO2-related conditions. Experimental studies and prediction algorithms are not available or were not evaluated, and the functional significance of this variant is currently unknown. In summary, the available evidence is currently insufficient to determine the role of this variant in disease. Therefore, it has been classified as a Variant of Uncertain Significance.

NM_001098.3(ACO2):c.2256CCT[1] (p.Leu754del)

Genes: ACO2 (aconitase 2; plus strand), POLR3H (RNA polymerase III subunit H; minus strand). Cytogenetic location: 22q13.2.
Variant type: Microsatellite.
Coding change: c.2256CCT[1] on transcript NM_001098.3 (MANE Select); one copy of the 3-base unit CCT starting at c.2256; the reference has two copies in a row; one copy, 3 bases deleted.
Protein change: p.Leu754del; deletes leucine 754.
Molecular consequence: inframe deletion. On other transcripts: 3 prime UTR variant (5).
Genome position (GRCh38, 1-based): chr22:41,528,529-41,528,531, CCT deleted; deleting any 3 consecutive bases within chr22:41,528,525-41,528,531 gives the same sequence; the position shown is the placement nearest the transcript's 3' end. VCF-style (leftmost placement, unchanged base first): chr22-41528524-ATCC-A. GRCh37 (hg19) VCF-style: chr22-41924528-ATCC-A.
Other names: c.*753GGA[1] (NM_001018050.4, NM_001018052.4, NM_001282884.2 and 2 more transcripts); short protein forms L754del.
Identifiers: ClinVar variation 1395252 (VCV001395252.6), dbSNP rs2146158375, ClinGen allele CA2580615323.